The following is an entry in ClinVar:

ClinVar aggregate classification (germline): Uncertain significance (1 of 4 stars; one submission).

Conditions:
Inborn genetic diseases. Identifiers: MedGen C0950123, MeSH D030342.

gnomAD v4.1: 1 of 1,613,648 alleles (0.000062%); highest among the groups gnomAD compares: Non-Finnish European, 0.000085%; no homozygotes.

Submission:

Ambry Genetics
Classification: Uncertain significance for Inborn genetic diseases. Last evaluated: 2024-04-19. Review status: criteria provided, single submitter. Criteria: Ambry Variant Classification Scheme 2023. Collection method: clinical testing. Allele origin: germline.
Comment: The p.S1272P variant (also known as c.3814T>C), located in coding exon 28 of the LRRK2 gene, results from a T to C substitution at nucleotide position 3814. The serine at codon 1272 is replaced by proline, an amino acid with similar properties. This amino acid position is conserved. In addition, the in silico prediction for this alteration is inconclusive. Based on the available evidence, the clinical significance of this variant remains unclear.

NM_198578.4(LRRK2):c.3814T>C (p.Ser1272Pro)

Gene: LRRK2 (leucine rich repeat kinase 2; plus strand). Cytogenetic location: 12q12.
Variant type: single nucleotide variant.
Coding change: c.3814T>C on transcript NM_198578.4 (MANE Select); coding-DNA position 3814, T replaced by C.
Protein change: p.Ser1272Pro; replaces serine 1272 with proline.
Molecular consequence: missense variant.
Genome position (GRCh38, 1-based): chr12:40,305,821, T>C. VCF-style: chr12-40305821-T-C. GRCh37 (hg19) VCF-style: chr12-40699623-T-C.
Other names: short protein forms S1272P.
Identifiers: ClinVar variation 3291968 (VCV003291968.1).